The following is an entry in ClinVar:

ClinVar aggregate classification (germline): Benign/Likely benign. Review status: criteria provided, multiple submitters, no conflicts (2 of 4 stars). 8 submissions from 8 submitters: Benign (5); Likely benign (2). 1 of the submissions does not count toward it. Last evaluated 2026-02-03.

Conditions:
Kabuki syndrome. Also called: Kabuki make-up syndrome; NIIKAWA-KUROKI SYNDROME. Identifiers: Orphanet 2322, MedGen C0796004, MONDO:0016512.
Kabuki syndrome 1 (KABUK1). Also called: KMT2D-Related Kabuki Syndrome. Identifiers: Orphanet 2322, MedGen CN030661, MONDO:0007843, OMIM 147920.

Submissions (8):

Labcorp Genetics (formerly Invitae), Labcorp
Classification: Benign for Kabuki syndrome. Last evaluated: 2026-02-03. Review status: criteria provided, single submitter. Criteria: Invitae Variant Classification Sherloc (09022015). Collection method: clinical testing. Allele origin: germline.

Blueprint Genetics
Classification: Likely benign. Last evaluated: 2024-11-19. Review status: criteria provided, single submitter. Criteria: ACMG Guidelines, 2015. Collection method: clinical testing. Allele origin: germline.

GeneDx
Classification: Benign. Last evaluated: 2020-06-15. Review status: criteria provided, single submitter. Criteria: GeneDx Variant Classification Process June 2021. Collection method: clinical testing. Allele origin: germline. Affected: yes.

Mendelics
Classification: Likely benign for Kabuki syndrome 1. Last evaluated: 2019-05-28. Review status: criteria provided, single submitter. Criteria: Mendelics Assertion Criteria 2017. Collection method: clinical testing. Allele origin: unknown.

Genetic Services Laboratory, University of Chicago
Classification: Benign. Last evaluated: 2017-05-30. Review status: criteria provided, single submitter. Criteria: ACMG Guidelines, 2015. Collection method: clinical testing. Allele origin: germline. Affected: no.

Center for Pediatric Genomic Medicine, Children's Mercy Hospital and Clinics
Classification: Benign. Last evaluated: 2016-09-01. Review status: criteria provided, single submitter. Criteria: ACMG Guidelines, 2015. Collection method: clinical testing. Allele origin: germline.

Eurofins Ntd Llc (ga)
Classification: Benign. Last evaluated: 2016-04-13. Review status: criteria provided, single submitter. Criteria: EGL Classification Definitions 2015. Collection method: clinical testing. Allele origin: germline. Observed: 3 variant alleles, 3 heterozygotes.

ITMI
No classification provided. Condition: AllHighlyPenetrant. Last evaluated: 2013-09-19. Review status: no classification provided. Collection method: reference population. Allele origin: germline. Not counted in ClinVar's aggregate classification.
Comment: Please see associated publication for description of ethnicities

Literature cited by the submitters: PubMed 24728327 (cited by ITMI).

NM_003482.4(KMT2D):c.2250_2276del (p.746RPEEPHLSP[1])

Gene: KMT2D (lysine methyltransferase 2D; minus strand). Cytogenetic location: 12q13.12.
Variant type: Deletion.
Coding change: c.2250_2276del on transcript NM_003482.4 (MANE Select); coding-DNA positions 2250 to 2276, 27 bases deleted (GCACCTGTCCCCCCGGCCTGAGGAGCC).
Protein change: p.746RPEEPHLSP[1].
Molecular consequence: inframe deletion.
Genome position (GRCh38, 1-based): chr12:49,051,407-49,051,433, GGCTCCTCAGGCCGGGGGGACAGGTGC deleted on the plus strand (GCACCTGTCCCCCCGGCCTGAGGAGCC on the coding strand, the reverse complement: KMT2D is on the minus strand); deleting any 27 consecutive bases within chr12:49,051,407-49,051,450 gives the same sequence; the c. name uses the placement nearest the transcript's 3' end. VCF-style (leftmost placement, unchanged base first): chr12-49051406-TGGCTCCTCAGGCCGGGGGGACAGGTGC-T. GRCh37 (hg19) VCF-style: chr12-49445189-TGGCTCCTCAGGCCGGGGGGACAGGTGC-T.
Other names: c.2250_2276delGCACCTGTCCCCCCGGCCTGAGGAGCC (NM_003482.3).
Identifiers: ClinVar variation 134661 (VCV000134661.25), dbSNP rs587778449, ClinGen allele CA160483.